The following is an entry in ClinVar:

ClinVar aggregate classification (germline): Uncertain significance (1 of 4 stars; one submission).

Conditions:
Charcot-Marie-Tooth disease recessive intermediate C. Also called: CHARCOT-MARIE-TOOTH NEUROPATHY, RECESSIVE INTERMEDIATE C. Identifiers: Orphanet 369867, MedGen C3809309, MONDO:0014154, OMIM 615376.
Neuronopathy, distal hereditary motor, autosomal recessive 4. Also called: Autosomal recessive lower motor neuron disease with childhood onset; NEUROPATHY, DISTAL HEREDITARY MOTOR, AUTOSOMAL RECESSIVE 4. Identifiers: Orphanet 206580, MedGen C1970211, MONDO:0012608, OMIM 611067.

Submission:

Labcorp Genetics (formerly Invitae), Labcorp
Classification: Uncertain significance for Distal spinal muscular atrophy, autosomal recessive 4; Charcot-Marie-Tooth disease, recessive intermediate c. Last evaluated: 2018-12-07. Review status: criteria provided, single submitter. Criteria: Invitae Variant Classification Sherloc (09022015). Collection method: clinical testing. Allele origin: germline.
Comment: This sequence change replaces arginine with proline at codon 25 of the PLEKHG5 protein (p.Arg25Pro). The arginine residue is highly conserved and there is a moderate physicochemical difference between arginine and proline. This variant is not present in population databases (ExAC no frequency). This variant has not been reported in the literature in individuals with PLEKHG5-related disease. Algorithms developed to predict the effect of missense changes on protein structure and function are either unavailable or do not agree on the potential impact of this missense change (SIFT: "Deleterious"; PolyPhen-2: "Probably Damaging"; Align-GVGD: "Class C0"). In summary, the available evidence is currently insufficient to determine the role of this variant in disease. Therefore, it has been classified as a Variant of Uncertain Significance.

NM_020631.6(PLEKHG5):c.74G>C (p.Arg25Pro)

Gene: PLEKHG5 (pleckstrin homology and RhoGEF domain containing G5; minus strand). Cytogenetic location: 1p36.31.
Variant type: single nucleotide variant.
Coding change: c.74G>C on transcript NM_020631.6 (MANE Select); coding-DNA position 74, G replaced by C.
Protein change: p.Arg25Pro; replaces arginine 25 with proline.
Molecular consequence: missense variant.
Genome position (GRCh38, 1-based): chr1:6,476,006, C>G on the plus strand (G>C on the coding strand, the complement: PLEKHG5 is on the minus strand). VCF-style: chr1-6476006-C-G. GRCh37 (hg19) VCF-style: chr1-6536066-C-G.
Other names: c.185G>C, p.Arg62Pro (NM_001042663.3, NM_001265592.2); c.74G>C, p.Arg25Pro (NM_001042664.2, NM_001042665.2, NM_001265594.3 and 1 more transcripts); c.281G>C, p.Arg94Pro (NM_001265593.2); short protein forms R25P, R94P, R62P.
Identifiers: ClinVar variation 641267 (VCV000641267.1), dbSNP rs1201574261, ClinGen allele CA338141463.